The following is an entry in ClinVar:

ClinVar aggregate classification (germline): Pathogenic. Review status: criteria provided, multiple submitters, no conflicts (2 of 4 stars). 2 submissions from 2 submitters: Pathogenic (2). Last evaluated 2025-01-07.

Conditions:
Duchenne muscular dystrophy (DMD). Also called: Duchenne Muscular Dystrophy (DMD); MUSCULAR DYSTROPHY, PSEUDOHYPERTROPHIC PROGRESSIVE, DUCHENNE TYPE. Identifiers: Orphanet 98896, MedGen C0013264, MONDO:0010679, OMIM 310200.

Submissions (2):

Labcorp Genetics (formerly Invitae), Labcorp
Classification: Pathogenic for Duchenne muscular dystrophy. Last evaluated: 2025-01-07. Review status: criteria provided, single submitter. Criteria: Invitae Variant Classification Sherloc (09022015). Collection method: clinical testing. Allele origin: germline.
Comment: This sequence change creates a premature translational stop signal (p.Leu3168Trpfs*12) in the DMD gene. It is expected to result in an absent or disrupted protein product. Loss-of-function variants in DMD are known to be pathogenic (PMID: 16770791, 25007885). This variant is not present in population databases (gnomAD no frequency). This variant has not been reported in the literature in individuals affected with DMD-related conditions. ClinVar contains an entry for this variant (Variation ID: 265630). For these reasons, this variant has been classified as Pathogenic.

GeneDx
Classification: Pathogenic. Last evaluated: 2017-01-31. Review status: criteria provided, single submitter. Criteria: GeneDx Variant Classification (06012015). Collection method: clinical testing. Allele origin: germline. Affected: yes.
Comment: The c.9503delT pathogenic variant in the DMD gene causes a frameshift starting with codon Leucine 3168, changes this amino acid to a Tryptophan residue and creates a premature Stop codon at position 12 of the new reading frame, denoted p.Leu3168TrpfsX12. This pathogenic variant is predicted to cause loss of normal protein function either through protein truncation or nonsense-mediated mRNA decay. The c.9503delT variant was not observed in approximately 6,500 individuals of European and African American ancestry in the NHLBI Exome Sequencing Project, indicating it is not a common benign variant in these populations.

Literature cited by the submitters: PubMed 16770791 (cited by Labcorp Genetics (formerly Invitae), Labcorp); PubMed 25007885 (cited by Labcorp Genetics (formerly Invitae), Labcorp).

NM_004006.3(DMD):c.9503del (p.Leu3168fs)

Gene: DMD (dystrophin; minus strand). Cytogenetic location: Xp21.2.
Variant type: Deletion.
Coding change: c.9503del on transcript NM_004006.3 (MANE Select); coding-DNA position 9503, one base deleted (T; older notation c.9503delT).
Protein change: p.Leu3168fs; shifts the reading frame from leucine 3168.
Molecular consequence: frameshift variant.
Genome position (GRCh38, 1-based): chrX:31,209,558, A deleted on the plus strand (T on the coding strand, the reverse complement: DMD is on the minus strand); the first of 3 consecutive A bases (chrX:31,209,558-31,209,560); deleting any one gives the same sequence. VCF-style (leftmost placement, unchanged base first): chrX-31209557-CA-C. GRCh37 (hg19) VCF-style: chrX-31227674-CA-C.
Other names: c.9479del, p.Leu3160fs (NM_000109.4); c.299del, p.Leu100fs (NM_004019.3, NM_004015.3, NM_004016.3 and 2 more transcripts); c.2123del, p.Leu708fs (NM_004020.4, NM_004021.3, NM_004022.3 and 2 more transcripts); c.9503delT (NM_004006.2); c.9491del, p.Leu3164fs (NM_004009.3); c.9134del, p.Leu3045fs (NM_004010.3); c.5480del, p.Leu1827fs (NM_004011.4); c.5471del, p.Leu1824fs (NM_004012.4); and 1 more; short protein forms L1827fs, L3045fs, L3168fs, L3164fs, L1824fs, L100fs, L3160fs, L439fs.
Identifiers: ClinVar variation 265630 (VCV000265630.4), dbSNP rs886039681, ClinGen allele CA10588765.
Genomic context (GRCh38, chrX:31,209,557, plus strand): 5'-CGTATCATAAACATTCAGCAGCCAGTTCAGACACATATCCACGCAGAGAGGGACGTTGAC[CA>C]AATTGTTGTGCTCTTGCTCCAGGCGGTCATAAATAGTGGTCAAACAATTAATAATCTGCA-3'